The following is an entry in ClinVar:

ClinVar aggregate classification (germline): Uncertain significance. Review status: criteria provided, multiple submitters, no conflicts (2 of 4 stars). 2 submissions from 2 submitters: Uncertain significance (2). Last evaluated 2025-11-10.

Conditions:
Hereditary nonpolyposis colorectal neoplasms. Identifiers: MedGen C0009405, MeSH D003123.
Hereditary cancer-predisposing syndrome. Also called: Hereditary Cancer Syndrome; Hereditary neoplastic syndrome; Neoplastic Syndromes, Hereditary; Tumor predisposition. Identifiers: Orphanet 140162, MedGen C0027672, MeSH D009386, MONDO:0015356.

Allele frequency attached by ClinVar (database versions not stated): TOPMed below 0.00001.
gnomAD v4.1: 1 of 1,499,672 alleles (0.000067%); highest among the groups gnomAD compares: Non-Finnish European, 0.000089%; no homozygotes.

Submissions (2):

Labcorp Genetics (formerly Invitae), Labcorp
Classification: Uncertain significance for Hereditary nonpolyposis colorectal neoplasms. Last evaluated: 2025-11-10. Review status: criteria provided, single submitter. Criteria: Invitae Variant Classification Sherloc (09022015). Collection method: clinical testing. Allele origin: germline.
Comment: This sequence change replaces alanine, which is neutral and non-polar, with threonine, which is neutral and polar, at codon 69 of the MSH6 protein (p.Ala69Thr). This variant is not present in population databases (gnomAD no frequency). This variant has not been reported in the literature in individuals affected with MSH6-related conditions. ClinVar contains an entry for this variant (Variation ID: 455174). Invitae Evidence Modeling of protein sequence and biophysical properties (such as structural, functional, and spatial information, amino acid conservation, physicochemical variation, residue mobility, and thermodynamic stability) indicates that this missense variant is not expected to disrupt MSH6 protein function with a negative predictive value of 95%. In summary, the available evidence is currently insufficient to determine the role of this variant in disease. Therefore, it has been classified as a Variant of Uncertain Significance.

Ambry Genetics
Classification: Uncertain significance for Hereditary cancer-predisposing syndrome. Last evaluated: 2023-10-31. Review status: criteria provided, single submitter. Criteria: Ambry Variant Classification Scheme 2023. Collection method: clinical testing. Allele origin: germline.
Comment: The p.A69T variant (also known as c.205G>A), located in coding exon 1 of the MSH6 gene, results from a G to A substitution at nucleotide position 205. The alanine at codon 69 is replaced by threonine, an amino acid with similar properties. This amino acid position is not well conserved in available vertebrate species. In addition, this alteration is predicted to be tolerated by in silico analysis. Since supporting evidence is limited at this time, the clinical significance of this alteration remains unclear.

NM_000179.3(MSH6):c.205G>A (p.Ala69Thr)

Gene: MSH6 (mutS homolog 6; plus strand). Cytogenetic location: 2p16.3.
Variant type: single nucleotide variant.
Coding change: c.205G>A on transcript NM_000179.3 (MANE Select); coding-DNA position 205, G replaced by A.
Protein change: p.Ala69Thr; replaces alanine 69 with threonine.
Molecular consequence: missense variant. On other transcripts: 5 prime UTR variant (1).
Genome position (GRCh38, 1-based): chr2:47,783,438, G>A. VCF-style: chr2-47783438-G-A. GRCh37 (hg19) VCF-style: chr2-48010577-G-A.
Other names: c.205G>A, p.Ala69Thr (NM_001281492.2); c.-532G>A (NM_001281493.2); short protein forms A69T.
Identifiers: ClinVar variation 455174 (VCV000455174.15), dbSNP rs1382081255, ClinGen allele CA346735048.